The following is an entry in ClinVar:

ClinVar aggregate classification (germline): Pathogenic (1 of 4 stars; one submission).

Conditions:
Polycystic kidney disease, adult type (PKD1). Also called: POLYCYSTIC KIDNEY DISEASE 1 WITH OR WITHOUT POLYCYSTIC LIVER DISEASE; POLYCYSTIC KIDNEY DISEASE, ADULT, TYPE I; Polycystic Kidney, Autosomal Dominant; Polycystic Kidney Disease 1, Autosomal Dominant; Polycystic kidney disease 1; Polycystic kidney disease 1, severe. Identifiers: MedGen C3149841, MONDO:0008263, OMIM 173900.

Submission:

ARUP Laboratories, Molecular Genetics and Genomics, ARUP Laboratories
Classification: Pathogenic for Polycystic kidney disease, adult type. Last evaluated: 2018-12-14. Review status: criteria provided, single submitter. Criteria: ARUP Molecular Germline Variant Investigation Process. Collection method: clinical testing. Allele origin: germline.
Comment: The PKD1 c.10163delC; p.Ala3388fs variant, to our knowledge, is not reported in the medical literature or gene specific databases. This variant is also absent from general population databases (1000 Genomes Project, Exome Variant Server, and Genome Aggregation Database), indicating it is not a common polymorphism. This variant causes a frameshift by deleting a single nucleotide, so it is predicted to result in a truncated protein or mRNA subject to nonsense-mediated decay. Based on available information, the p.Ala3388fs variant is considered to be pathogenic.

NM_001009944.3(PKD1):c.10163del (p.Ala3388fs)

Gene: PKD1 (polycystin 1, transient receptor potential channel interacting; minus strand). Cytogenetic location: 16p13.3.
Variant type: Deletion.
Coding change: c.10163del on transcript NM_001009944.3 (MANE Select); coding-DNA position 10163, one base deleted (C; older notation c.10163delC).
Protein change: p.Ala3388fs; shifts the reading frame from alanine 3388.
Molecular consequence: frameshift variant.
Genome position (GRCh38, 1-based): chr16:2,097,872, G deleted on the plus strand (C on the coding strand, the reverse complement: PKD1 is on the minus strand). VCF-style (leftmost placement, unchanged base first): chr16-2097871-AG-A. GRCh37 (hg19) VCF-style: chr16-2147872-AG-A.
Other names: c.10163del, p.Ala3388fs (NM_000296.4); short protein forms A3388fs.
Identifiers: ClinVar variation 811856 (VCV000811856.8), dbSNP rs1596503384, ClinGen allele CA915948984.